The following is an entry in ClinVar:

NM_000256.3(MYBPC3):c.1433C>T (p.Ser478Leu)

Gene: MYBPC3 (myosin binding protein C3; minus strand). Cytogenetic location: 11p11.2.
Variant type: single nucleotide variant.
Coding change: c.1433C>T on transcript NM_000256.3 (MANE Select); coding-DNA position 1433, C replaced by T.
Protein change: p.Ser478Leu; replaces serine 478 with leucine.
Molecular consequence: missense variant.
Genome position (GRCh38, 1-based): chr11:47,342,854, G>A on the plus strand (C>T on the coding strand, the complement: MYBPC3 is on the minus strand). VCF-style: chr11-47342854-G-A. GRCh37 (hg19) VCF-style: chr11-47364405-G-A.
Other names: p.S478L:TCG>TTG; c.1433C>T, p.Ser478Leu (LRG_386t1); short protein forms S478L.
Identifiers: ClinVar variation 180935 (VCV000180935.28), dbSNP rs730880540, ClinGen allele CA010300.

ClinVar aggregate classification (germline): Uncertain significance. Review status: criteria provided, multiple submitters, no conflicts (2 of 4 stars). 9 submissions from 9 submitters: Uncertain significance (9). Last evaluated 2025-12-08.

Conditions:
Cardiovascular phenotype. Identifiers: MedGen CN230736.
Cardiomyopathy (CMYO). Also called: Cardiomyopathies. Identifiers: Orphanet 167848, MedGen C0878544, MONDO:0004994, HP:0001638. Inheritance: Various modes of inheritance.
Primary dilated cardiomyopathy (DCM). Also called: Dilated Cardiomyopathy. Identifiers: Orphanet 217604, MedGen C0007193, MeSH D002311, MONDO:0005021, HP:0001644. Inheritance: Various modes of inheritance.
Hypertrophic cardiomyopathy. Also called: HYPERTROPHIC MYOCARDIOPATHY. Identifiers: Orphanet 217569, MedGen C0007194, MeSH D002312, MONDO:0005045, HP:0001639.

Allele frequency attached by ClinVar (database versions not stated): gnomAD exomes below 0.00001 and 0.00003; TOPMed below 0.00001; gnomAD 0.00001; ExAC 0.00002.
gnomAD v4.1: 44 of 1,612,850 alleles (0.0027%); highest among the groups gnomAD compares: Non-Finnish European, 0.0034%; no homozygotes.

Submissions (9):

Labcorp Genetics (formerly Invitae), Labcorp
Classification: Uncertain significance for Hypertrophic cardiomyopathy. Last evaluated: 2025-12-08. Review status: criteria provided, single submitter. Criteria: Invitae Variant Classification Sherloc (09022015). Collection method: clinical testing. Allele origin: germline.
Comment: This sequence change replaces serine, which is neutral and polar, with leucine, which is neutral and non-polar, at codon 478 of the MYBPC3 protein (p.Ser478Leu). This variant is present in population databases (rs730880540, gnomAD 0.007%). This missense change has been observed in individual(s) with hypertrophic cardiomyopathy (PMID: 27532257, 29121657). ClinVar contains an entry for this variant (Variation ID: 180935). An algorithm developed to predict the effect of missense changes on protein structure and function (PolyPhen-2) suggests that this variant is likely to be disruptive. In summary, the available evidence is currently insufficient to determine the role of this variant in disease. Therefore, it has been classified as a Variant of Uncertain Significance.

Ambry Genetics
Classification: Uncertain significance for Cardiovascular phenotype. Last evaluated: 2025-05-06. Review status: criteria provided, single submitter. Criteria: Ambry Variant Classification Scheme 2023. Collection method: clinical testing. Allele origin: germline.
Comment: The p.S478L variant (also known as c.1433C>T), located in coding exon 16 of the MYBPC3 gene, results from a C to T substitution at nucleotide position 1433. The serine at codon 478 is replaced by leucine, an amino acid with dissimilar properties. This variant was reported in individual(s) with features consistent with hypertrophic cardiomyopathy (HCM) (Walsh R et al. Genet Med, 2017 Feb;19:192-203; Rupp S et al. Clin Res Cardiol, 2019 Mar;108:282-289). This amino acid position is highly conserved in available vertebrate species. In addition, this alteration is predicted to be deleterious by in silico analysis. Based on the available evidence, the clinical significance of this variant remains unclear.

All of Us Research Program, National Institutes of Health
Classification: Uncertain significance for Hypertrophic cardiomyopathy. Last evaluated: 2024-03-24. Review status: criteria provided, single submitter. Criteria: ACMG Guidelines, 2015. Collection method: clinical testing. Allele origin: germline. Inheritance: Autosomal dominant inheritance. Observed: 3 variant alleles, 3 heterozygotes.
Comment: This missense variant replaces serine with leucine at codon 478 of the MYBPC3 protein.Computational prediction tools indicate that this variant has a deleterious impact on protein structure and function. To our knowledge, functional studies have not been reported for this variant. This variant has been reported in two individuals affected with hypertrophic cardiomyopathy (PMID: 27532257, 29121657). It has also been reported in three occurrences of stillbirth (PMID: 30615648). This variant has been identified in 3/278980 chromosomes in the general population by the Genome Aggregation Database (gnomAD). The available evidence is insufficient to determine the role of this variant in disease conclusively. Therefore, this variant is classified as a Variant of Uncertain Significance.

This study involves interpretation of variants in research participants for the purpose of population health screening. Participant phenotype was not available at the time of variant classification. Additional details can be found in publication PMID: 35346344, PMCID: PMC8962531

Blueprint Genetics
Classification: Uncertain significance. Last evaluated: 2024-03-11. Review status: criteria provided, single submitter. Criteria: ACMG Guidelines, 2015. Collection method: clinical testing. Allele origin: germline.

Color Diagnostics, LLC DBA Color Health
Classification: Uncertain significance for Cardiomyopathy. Last evaluated: 2024-02-07. Review status: criteria provided, single submitter. Criteria: ACMG Guidelines, 2015. Collection method: clinical testing. Allele origin: germline.
Comment: This missense variant replaces serine with leucine at codon 478 of the MYBPC3 protein.Computational prediction tools indicate that this variant has a deleterious impact on protein structure and function. To our knowledge, functional studies have not been reported for this variant. This variant has been reported in two individuals affected with hypertrophic cardiomyopathy (PMID: 27532257, 29121657). It has also been reported in three occurrences of stillbirth (PMID: 30615648). This variant has been identified in 3/278980 chromosomes in the general population by the Genome Aggregation Database (gnomAD). The available evidence is insufficient to determine the role of this variant in disease conclusively. Therefore, this variant is classified as a Variant of Uncertain Significance.

Clinical Genetics Laboratory, Skane University Hospital Lund
Classification: Uncertain significance. Last evaluated: 2024-01-30. Review status: criteria provided, single submitter. Criteria: ACMG Guidelines, 2015. Collection method: clinical testing. Allele origin: germline. Affected: yes.

Clinical Center for Gene Diagnosis and Therapy, Department of Cardiovascular Surgery, The Second Xiangya Hospital of Central South University
Classification: Uncertain significance for Primary dilated cardiomyopathy. Last evaluated: 2023-06-01. Review status: criteria provided, single submitter. Criteria: ACMG Guidelines, 2015. Collection method: clinical testing. Allele origin: germline. Affected: yes.

GeneDx
Classification: Uncertain significance. Last evaluated: 2018-11-19. Review status: criteria provided, single submitter. Criteria: GeneDx Variant Classification (06012015). Collection method: clinical testing. Allele origin: germline. Affected: yes.
Comment: A variant of uncertain significance has been identified in the MYBPC3 gene. The S478L variant has been reported in two individuals with HCM, one of whom harbored a second missense variant in the MYBPC3 gene (Viswanathan et al., 2017; Walsh et al., 2017). This variant is also not observed at a significant frequency in large population cohorts (Lek et al., 2016). The S478L variant is a non-conservative amino acid substitution, which is likely to impact secondary protein structure as these residues differ in polarity, charge, size and/or other properties. In-silico analyses, including protein predictors and evolutionary conservation, support a deleterious effect. Nevertheless, this variant has not been observed in a significant number of affected individuals, and there are no published functional or segregation studies to further clarify the role of this variant in disease.

CHEO Genetics Diagnostic Laboratory, Children's Hospital of Eastern Ontario
Classification: Uncertain significance for Cardiomyopathy. Last evaluated: 2016-06-30. Review status: criteria provided, single submitter. Criteria: ACMG Guidelines, 2015. Collection method: clinical testing. Allele origin: germline. Study: Canadian Open Genetics Repository.

Literature cited by the submitters: PubMed 27532257 (cited by 4 submitters); PubMed 29121657 (cited by 4 submitters); PubMed 30105547 (cited by Ambry Genetics); PubMed 36264615 (cited by Ambry Genetics); PubMed 30615648 (cited by All of Us Research Program, National Institutes of Health and Color Diagnostics, LLC DBA Color Health).